The following is an entry in ClinVar:

NM_000384.3(APOB):c.412G>C (p.Gly138Arg)

Gene: APOB (apolipoprotein B; minus strand). Cytogenetic location: 2p24.1.
Variant type: single nucleotide variant.
Coding change: c.412G>C on transcript NM_000384.3 (MANE Select); coding-DNA position 412, G replaced by C.
Protein change: p.Gly138Arg; replaces glycine 138 with arginine.
Molecular consequence: missense variant.
Genome position (GRCh38, 1-based): chr2:21,038,083, C>G on the plus strand (G>C on the coding strand, the complement: APOB is on the minus strand). VCF-style: chr2-21038083-C-G. GRCh37 (hg19) VCF-style: chr2-21260955-C-G.
Other names: short protein forms G138R.
Identifiers: ClinVar variation 3933334 (VCV003933334.1).

ClinVar aggregate classification (germline): Uncertain significance (1 of 4 stars; one submission).

Conditions:
Cardiovascular phenotype. Identifiers: MedGen CN230736.

Submission:

Ambry Genetics
Classification: Uncertain significance for Cardiovascular phenotype. Last evaluated: 2025-06-07. Review status: criteria provided, single submitter. Criteria: Ambry Variant Classification Scheme 2023. Collection method: clinical testing. Allele origin: germline.
Comment: The p.G138R variant (also known as c.412G>C), located in coding exon 5 of the APOB gene, results from a G to C substitution at nucleotide position 412. The glycine at codon 138 is replaced by arginine, an amino acid with dissimilar properties. This amino acid position is conserved. In addition, the in silico prediction for this alteration is inconclusive. Based on the available evidence, the clinical significance of this variant remains unclear.